The following is an entry in ClinVar:

ClinVar aggregate classification (germline): Pathogenic/Likely pathogenic. Review status: criteria provided, multiple submitters, no conflicts (2 of 4 stars). 2 submissions from 2 submitters: Pathogenic (1); Likely pathogenic (1). Last evaluated 2025-07-05.

Conditions:
Multiple sulfatase deficiency (MSD). Also called: Mucosulfatidosis; Multiple Sulfatase Deficiency Disease; Sulfatidosis, Juvenile, Austin Type. Identifiers: Orphanet 585, MedGen C0268263, MONDO:0010088, OMIM 272200.

Allele frequency attached by ClinVar (database versions not stated): TOPMed below 0.00001; gnomAD 0.00001.
gnomAD v4.1: 1 of 1,613,934 alleles (0.000062%); highest among the groups gnomAD compares: African/African-American, 0.0013%; no homozygotes.

Submissions (2):

Natera, Inc.
Classification: Likely pathogenic for Multiple sulfatase deficiency. Last evaluated: 2025-07-05. Review status: criteria provided, single submitter. Criteria: Natera Variant Classification Schema (03/2026). Collection method: clinical testing. Allele origin: germline.
Comment: The c.536G>A variant in SUMF1 is a nonsense variant predicted to introduce a stop codon at amino acid 179. This variant is expected to result in nonsense mediated decay, truncation, or a dysfunctional protein product. This variant is rare in the general population with a frequency below the threshold expected for the associated phenotype(s). Given the available evidence, this variant is classified as Likely Pathogenic.

Labcorp Genetics (formerly Invitae), Labcorp
Classification: Pathogenic for Multiple sulfatase deficiency. Last evaluated: 2023-11-09. Review status: criteria provided, single submitter. Criteria: Invitae Variant Classification Sherloc (09022015). Collection method: clinical testing. Allele origin: germline.
Comment: This sequence change creates a premature translational stop signal (p.Trp179*) in the SUMF1 gene. It is expected to result in an absent or disrupted protein product. Loss-of-function variants in SUMF1 are known to be pathogenic (PMID: 12757705, 12757706, 25885655). This variant is not present in population databases (gnomAD no frequency). This variant has not been reported in the literature in individuals affected with SUMF1-related conditions. Algorithms developed to predict the effect of sequence changes on RNA splicing suggest that this variant may disrupt the consensus splice site. For these reasons, this variant has been classified as Pathogenic.

Literature cited by the submitters: PubMed 12757705 (cited by Labcorp Genetics (formerly Invitae), Labcorp); PubMed 12757706 (cited by Labcorp Genetics (formerly Invitae), Labcorp); PubMed 25885655 (cited by Labcorp Genetics (formerly Invitae), Labcorp).

NM_182760.4(SUMF1):c.536G>A (p.Trp179Ter)

Gene: SUMF1 (sulfatase modifying factor 1; minus strand). Cytogenetic location: 3p26.1.
Variant type: single nucleotide variant.
Coding change: c.536G>A on transcript NM_182760.4 (MANE Select); coding-DNA position 536, G replaced by A.
Protein change: p.Trp179Ter; replaces tryptophan 179 with a stop codon.
Molecular consequence: nonsense.
Genome position (GRCh38, 1-based): chr3:4,420,130, C>T on the plus strand (G>A on the coding strand, the complement: SUMF1 is on the minus strand). VCF-style: chr3-4420130-C-T. GRCh37 (hg19) VCF-style: chr3-4461814-C-T.
Other names: c.536G>A (NM_182760.3); c.461G>A, p.Trp154Ter (NM_001164674.2); c.536G>A, p.Trp179Ter (NM_001164675.2); short protein forms W154*, W179*.
Identifiers: ClinVar variation 2743489 (VCV002743489.4), dbSNP rs757323641, ClinGen allele CA351633009.